The following is an entry in ClinVar:

NM_015650.4(TRAF3IP1):c.1280C>G (p.Ala427Gly)

Gene: TRAF3IP1 (TRAF3 interacting protein 1; plus strand). Cytogenetic location: 2q37.3.
Variant type: single nucleotide variant.
Coding change: c.1280C>G on transcript NM_015650.4 (MANE Select); coding-DNA position 1280, C replaced by G.
Protein change: p.Ala427Gly; replaces alanine 427 with glycine.
Molecular consequence: missense variant.
Genome position (GRCh38, 1-based): chr2:238,347,473, C>G. VCF-style: chr2-238347473-C-G. GRCh37 (hg19) VCF-style: chr2-239256114-C-G.
Other names: c.1082C>G, p.Ala361Gly (NM_001139490.1); short protein forms A427G, A361G.
Identifiers: ClinVar variation 1976711 (VCV001976711.5), dbSNP rs1307481215, ClinGen allele CA351251663.

ClinVar aggregate classification (germline): Uncertain significance (1 of 4 stars; one submission).

Allele frequency attached by ClinVar (database versions not stated): gnomAD 0.00001.
gnomAD v4.1: 1 of 1,613,890 alleles (0.000062%); highest among the groups gnomAD compares: East Asian, 0.0022%; no homozygotes.

Submission:

Labcorp Genetics (formerly Invitae), Labcorp
Classification: Uncertain significance. Last evaluated: 2022-06-10. Review status: criteria provided, single submitter. Criteria: Invitae Variant Classification Sherloc (09022015). Collection method: clinical testing. Allele origin: germline.
Comment: In summary, the available evidence is currently insufficient to determine the role of this variant in disease. Therefore, it has been classified as a Variant of Uncertain Significance. Algorithms developed to predict the effect of missense changes on protein structure and function (SIFT, PolyPhen-2, Align-GVGD) all suggest that this variant is likely to be tolerated. This variant has not been reported in the literature in individuals affected with TRAF3IP1-related conditions. This variant is present in population databases (no rsID available, gnomAD 0.06%). This sequence change replaces alanine, which is neutral and non-polar, with glycine, which is neutral and non-polar, at codon 427 of the TRAF3IP1 protein (p.Ala427Gly).